The following is an entry in ClinVar:

ClinVar aggregate classification (germline): Uncertain significance. Review status: criteria provided, multiple submitters, no conflicts (2 of 4 stars). 2 submissions from 2 submitters: Uncertain significance (2). Last evaluated 2025-06-22.

Conditions:
Hereditary cancer-predisposing syndrome. Also called: Hereditary Cancer Syndrome; Hereditary neoplastic syndrome; Tumor predisposition; Neoplastic Syndromes, Hereditary. Identifiers: Orphanet 140162, MedGen C0027672, MeSH D009386, MONDO:0015356.
Cardiovascular phenotype. Identifiers: MedGen CN230736.

Submissions (2):

Labcorp Genetics (formerly Invitae), Labcorp
Classification: Uncertain significance. Last evaluated: 2025-06-22. Review status: criteria provided, single submitter. Criteria: Invitae Variant Classification Sherloc (09022015). Collection method: clinical testing. Allele origin: germline.
Comment: This sequence change replaces aspartic acid, which is acidic and polar, with histidine, which is basic and polar, at codon 575 of the LZTR1 protein (p.Asp575His). This variant is not present in population databases (gnomAD no frequency). This variant has not been reported in the literature in individuals affected with LZTR1-related conditions. ClinVar contains an entry for this variant (Variation ID: 3541646). Invitae Evidence Modeling of protein sequence and biophysical properties (such as structural, functional, and spatial information, amino acid conservation, physicochemical variation, residue mobility, and thermodynamic stability) indicates that this missense variant is not expected to disrupt LZTR1 protein function with a negative predictive value of 80%. In summary, the available evidence is currently insufficient to determine the role of this variant in disease. Therefore, it has been classified as a Variant of Uncertain Significance.

Ambry Genetics
Classification: Uncertain significance for Cardiovascular phenotype; Hereditary cancer-predisposing syndrome. Last evaluated: 2024-10-12. Review status: criteria provided, single submitter. Criteria: Ambry Variant Classification Scheme 2023. Collection method: clinical testing. Allele origin: germline.
Comment: The p.D575H variant (also known as c.1723G>C), located in coding exon 15 of the LZTR1 gene, results from a G to C substitution at nucleotide position 1723. The aspartic acid at codon 575 is replaced by histidine, an amino acid with similar properties. This amino acid position is conserved. In addition, this alteration is predicted to be deleterious by in silico analysis. Based on the available evidence, the clinical significance of this variant remains unclear.

NM_006767.4(LZTR1):c.1723G>C (p.Asp575His)

Gene: LZTR1 (leucine zipper like post translational regulator 1; plus strand). Cytogenetic location: 22q11.21.
Variant type: single nucleotide variant.
Coding change: c.1723G>C on transcript NM_006767.4 (MANE Select); coding-DNA position 1723, G replaced by C.
Protein change: p.Asp575His; replaces aspartic acid 575 with histidine.
Molecular consequence: missense variant.
Genome position (GRCh38, 1-based): chr22:20,994,665, G>C. VCF-style: chr22-20994665-G-C. GRCh37 (hg19) VCF-style: chr22-21348954-G-C.
Other names: short protein forms D575H.
Identifiers: ClinVar variation 3541646 (VCV003541646.2).